The following is an entry in ClinVar:

NM_002529.4(NTRK1):c.810T>C (p.Asp270=)

Gene: NTRK1 (neurotrophic receptor tyrosine kinase 1; plus strand). Cytogenetic location: 1q23.1.
Variant type: single nucleotide variant.
Coding change: c.810T>C on transcript NM_002529.4 (MANE Select); coding-DNA position 810, T replaced by C.
Protein change: p.Asp270=; no amino-acid change (aspartic acid 270 retained).
Molecular consequence: synonymous variant.
Genome position (GRCh38, 1-based): chr1:156,871,715, T>C. VCF-style: chr1-156871715-T-C. GRCh37 (hg19) VCF-style: chr1-156841507-T-C.
Other names: c.720T>C, p.Asp240= (NM_001007792.1); c.810T>C, p.Asp270= (NM_001012331.2).
Identifiers: ClinVar variation 1150483 (VCV001150483.31), dbSNP rs755895954, ClinGen allele CA1169097.

ClinVar aggregate classification (germline): Likely benign. Review status: criteria provided, multiple submitters, no conflicts (2 of 4 stars). 2 submissions from 2 submitters: Likely benign (2). Last evaluated 2024-05-21.

Conditions:
Hereditary insensitivity to pain with anhidrosis (CIPA). Also called: HSAN Type IV; INSENSITIVITY TO PAIN, CONGENITAL, WITH ANHIDROSIS; FAMILIAL DYSAUTONOMIA, TYPE II; hereditary sensory and autonomic neuropathy type 4; NTRK1 Congenital Insensitivity to Pain with Anhidrosis; NEUROPATHY, CONGENITAL SENSORY, WITH ANHIDROSIS. Identifiers: Orphanet 642, MedGen C0020074, MONDO:0009746, OMIM 256800.

Allele frequency attached by ClinVar (database versions not stated): TOPMed below 0.00001; ExAC 0.00001; gnomAD 0.00001; gnomAD exomes 0.00001 and 0.00002.
gnomAD v4.1: 16 of 1,614,018 alleles (0.00099%); highest among the groups gnomAD compares: South Asian, 0.013%; no homozygotes.

Submissions (2):

Labcorp Genetics (formerly Invitae), Labcorp
Classification: Likely benign for Hereditary insensitivity to pain with anhidrosis. Last evaluated: 2024-05-21. Review status: criteria provided, single submitter. Criteria: Invitae Variant Classification Sherloc (09022015). Collection method: clinical testing. Allele origin: germline.

CeGaT Center for Human Genetics Tuebingen
Classification: Likely benign. Last evaluated: 2023-12-01. Review status: criteria provided, single submitter. Criteria: CeGaT Center For Human Genetics Tuebingen Variant Classification Criteria Version 2. Collection method: clinical testing. Allele origin: germline. Affected: yes. Observed: 1 variant allele.
Comment: NTRK1: PM2:Supporting, BP4, BP7